The following is an entry in ClinVar:

ClinVar aggregate classification (germline): Uncertain significance (1 of 4 stars; one submission).

Allele frequency attached by ClinVar (database versions not stated): gnomAD 0.00001.
gnomAD v4.1: 3 of 1,573,588 alleles (0.00019%); highest among the groups gnomAD compares: African/African-American, 0.0014%; no homozygotes.

Submission:

Labcorp Genetics (formerly Invitae), Labcorp
Classification: Uncertain significance. Last evaluated: 2023-07-10. Review status: criteria provided, single submitter. Criteria: Invitae Variant Classification Sherloc (09022015). Collection method: clinical testing. Allele origin: germline.
Comment: This variant has not been reported in the literature in individuals affected with CTBP1-related conditions. This sequence change replaces proline, which is neutral and non-polar, with glutamine, which is neutral and polar, at codon 18 of the CTBP1 protein (p.Pro18Gln). This variant is not present in population databases (gnomAD no frequency). ClinVar contains an entry for this variant (Variation ID: 1949699). An algorithm developed to predict the effect of missense changes on protein structure and function (PolyPhen-2) suggests that this variant is likely to be tolerated. In summary, the available evidence is currently insufficient to determine the role of this variant in disease. Therefore, it has been classified as a Variant of Uncertain Significance.

NM_001012614.2(CTBP1):c.20C>A (p.Pro7Gln)

Gene: CTBP1 (C-terminal binding protein 1; minus strand). Cytogenetic location: 4p16.3.
Variant type: single nucleotide variant.
Coding change: c.20C>A on transcript NM_001012614.2 (MANE Select); coding-DNA position 20, C replaced by A.
Protein change: p.Pro7Gln; replaces proline 7 with glutamine.
Molecular consequence: missense variant.
Genome position (GRCh38, 1-based): chr4:1,238,325, G>T on the plus strand (C>A on the coding strand, the complement: CTBP1 is on the minus strand). VCF-style: chr4-1238325-G-T. GRCh37 (hg19) VCF-style: chr4-1232113-G-T.
Other names: c.53C>A, p.Pro18Gln (NM_001328.3, NM_001377186.1); c.20C>A, p.Pro7Gln (NM_001377187.1, NM_001377188.1, NM_001377189.1 and 4 more transcripts); short protein forms P7Q, P18Q.
Identifiers: ClinVar variation 1949699 (VCV001949699.5), dbSNP rs1731790714, ClinGen allele CA355961075.